The following is an entry in ClinVar:

ClinVar aggregate classification (germline): Pathogenic (1 of 4 stars; one submission).

Conditions:
Polycystic kidney disease, adult type (PKD1). Also called: Polycystic Kidney Disease 1, Autosomal Dominant; Polycystic kidney disease 1; Polycystic kidney disease 1, severe; Polycystic Kidney, Autosomal Dominant; POLYCYSTIC KIDNEY DISEASE 1 WITH OR WITHOUT POLYCYSTIC LIVER DISEASE; POLYCYSTIC KIDNEY DISEASE, ADULT, TYPE I. Identifiers: MedGen C3149841, MONDO:0008263, OMIM 173900.

Submission:

Molecular Genetics laboratory, Necker Hospital
Classification: Pathogenic for Polycystic kidney disease, adult type. Last evaluated: 2024-05-31. Review status: criteria provided, single submitter. Criteria: ACMG Guidelines, 2015. Collection method: clinical testing. Allele origin: unknown. Inheritance: Autosomal dominant inheritance. Affected: yes.
Comment: Effect on splicing confirmed by minigene and RNAseq from urine cells

NM_001009944.3(PKD1):c.7065+224C>G

Gene: PKD1 (polycystin 1, transient receptor potential channel interacting; minus strand). Cytogenetic location: 16p13.3.
Variant type: single nucleotide variant.
Coding change: c.7065+224C>G on transcript NM_001009944.3 (MANE Select); 224 bases into the intron after coding-DNA position 7065, C replaced by G.
Molecular consequence: intron variant.
Genome position (GRCh38, 1-based): chr16:2,107,659, G>C on the plus strand (C>G on the coding strand, the complement: PKD1 is on the minus strand). VCF-style: chr16-2107659-G-C. GRCh37 (hg19) VCF-style: chr16-2157660-G-C.
Other names: c.7065+224C>G (NM_000296.4).
Identifiers: ClinVar variation 3237349 (VCV003237349.2), dbSNP rs2544792639.